The following is an entry in ClinVar:

NM_006231.4(POLE):c.3379-3C>G

Gene: POLE (DNA polymerase epsilon, catalytic subunit; minus strand). Cytogenetic location: 12q24.33.
Variant type: single nucleotide variant.
Coding change: c.3379-3C>G on transcript NM_006231.4 (MANE Select); 3 bases into the intron before coding-DNA position 3379, C replaced by G.
Molecular consequence: intron variant.
Genome position (GRCh38, 1-based): chr12:132,657,432, G>C on the plus strand (C>G on the coding strand, the complement: POLE is on the minus strand). VCF-style: chr12-132657432-G-C. GRCh37 (hg19) VCF-style: chr12-133234018-G-C.
Identifiers: ClinVar variation 4141099 (VCV004141099.1).

ClinVar aggregate classification (germline): Uncertain significance (1 of 4 stars; one submission).

Conditions:
Hereditary cancer-predisposing syndrome. Also called: Hereditary neoplastic syndrome; Neoplastic Syndromes, Hereditary; Tumor predisposition; Hereditary Cancer Syndrome. Identifiers: Orphanet 140162, MedGen C0027672, MeSH D009386, MONDO:0015356.

Submission:

Ambry Genetics
Classification: Uncertain significance for Hereditary cancer-predisposing syndrome. Last evaluated: 2025-09-05. Review status: criteria provided, single submitter. Criteria: Ambry Variant Classification Scheme 2023. Collection method: clinical testing. Allele origin: germline.
Comment: The c.3379-3C>G intronic variant results from a C to G substitution 3 nucleotides upstream from coding exon 28 in the POLE gene. This nucleotide position is not well conserved in available vertebrate species. In silico splice site analysis predicts that this alteration may weaken the native splice acceptor site. Based on the available evidence, the clinical significance of this variant remains unclear.